The following is an entry in ClinVar:

ClinVar aggregate classification (germline): Uncertain significance (1 of 4 stars; one submission).

Conditions:
Ullrich congenital muscular dystrophy 2 (UCMD2). Identifiers: Orphanet 75840, MedGen C4225314, MONDO:0014654, OMIM 616470.
Bethlem myopathy 2 (BTHLM2). Identifiers: Orphanet 536516, Orphanet 610, MedGen C4225313, MONDO:0034022, OMIM 616471.

Submission:

Labcorp Genetics (formerly Invitae), Labcorp
Classification: Uncertain significance for Bethlem myopathy 2; Ullrich congenital muscular dystrophy 2. Last evaluated: 2022-12-10. Review status: criteria provided, single submitter. Criteria: Invitae Variant Classification Sherloc (09022015). Collection method: clinical testing. Allele origin: germline.
Comment: Advanced modeling of protein sequence and biophysical properties (such as structural, functional, and spatial information, amino acid conservation, physicochemical variation, residue mobility, and thermodynamic stability) performed at Invitae indicates that this missense variant is not expected to disrupt COL12A1 protein function. In summary, the available evidence is currently insufficient to determine the role of this variant in disease. Therefore, it has been classified as a Variant of Uncertain Significance. ClinVar contains an entry for this variant (Variation ID: 1717862). This variant has not been reported in the literature in individuals affected with COL12A1-related conditions. This variant is not present in population databases (gnomAD no frequency). This sequence change replaces valine, which is neutral and non-polar, with alanine, which is neutral and non-polar, at codon 686 of the COL12A1 protein (p.Val686Ala).

NM_004370.6(COL12A1):c.2057T>C (p.Val686Ala)

Gene: COL12A1 (collagen type XII alpha 1 chain; minus strand). Cytogenetic location: 6q13.
Variant type: single nucleotide variant.
Coding change: c.2057T>C on transcript NM_004370.6 (MANE Select); coding-DNA position 2057, T replaced by C.
Protein change: p.Val686Ala; replaces valine 686 with alanine.
Molecular consequence: missense variant. On other transcripts: intron variant (1).
Genome position (GRCh38, 1-based): chr6:75,181,046, A>G on the plus strand (T>C on the coding strand, the complement: COL12A1 is on the minus strand). VCF-style: chr6-75181046-A-G. GRCh37 (hg19) VCF-style: chr6-75890762-A-G.
Other names: c.73+21674T>C (NM_080645.3); short protein forms V686A.
Identifiers: ClinVar variation 1717862 (VCV001717862.6), dbSNP rs2533552061, ClinGen allele CA364766724.